The following is an entry in ClinVar:

ClinVar aggregate classification (germline): Uncertain significance (1 of 4 stars; one submission).

Allele frequency attached by ClinVar (database versions not stated): gnomAD exomes below 0.00001; TOPMed 0.00003; gnomAD 0.00004.
gnomAD v4.1: 9 of 1,613,740 alleles (0.00056%); highest among the groups gnomAD compares: African/African-American, 0.011%; no homozygotes.

Submission:

Labcorp Genetics (formerly Invitae), Labcorp
Classification: Uncertain significance. Last evaluated: 2022-09-06. Review status: criteria provided, single submitter. Criteria: Invitae Variant Classification Sherloc (09022015). Collection method: clinical testing. Allele origin: germline.
Comment: This sequence change replaces tyrosine, which is neutral and polar, with serine, which is neutral and polar, at codon 214 of the LRAT protein (p.Tyr214Ser). This variant is present in population databases (no rsID available, gnomAD 0.01%). This variant has not been reported in the literature in individuals affected with LRAT-related conditions. ClinVar contains an entry for this variant (Variation ID: 1495580). Algorithms developed to predict the effect of missense changes on protein structure and function (SIFT, PolyPhen-2, Align-GVGD) all suggest that this variant is likely to be tolerated. In summary, the available evidence is currently insufficient to determine the role of this variant in disease. Therefore, it has been classified as a Variant of Uncertain Significance.

NM_004744.5(LRAT):c.641A>C (p.Tyr214Ser)

Gene: LRAT (lecithin retinol acyltransferase; plus strand). Cytogenetic location: 4q32.1.
Variant type: single nucleotide variant.
Coding change: c.641A>C on transcript NM_004744.5 (MANE Select); coding-DNA position 641, A replaced by C.
Protein change: p.Tyr214Ser; replaces tyrosine 214 with serine.
Molecular consequence: missense variant.
Genome position (GRCh38, 1-based): chr4:154,749,084, A>C. VCF-style: chr4-154749084-A-C. GRCh37 (hg19) VCF-style: chr4-155670236-A-C.
Other names: c.641A>C, p.Tyr214Ser (NM_001301645.2); short protein forms Y214S.
Identifiers: ClinVar variation 1495580 (VCV001495580.5), dbSNP rs1199843946, ClinGen allele CA358631137.